The following is an entry in ClinVar:

NM_014425.5(INVS):c.1472C>G (p.Thr491Arg)

Gene: INVS (inversin; plus strand). Cytogenetic location: 9q31.1.
Variant type: single nucleotide variant.
Coding change: c.1472C>G on transcript NM_014425.5 (MANE Select); coding-DNA position 1472, C replaced by G.
Protein change: p.Thr491Arg; replaces threonine 491 with arginine.
Molecular consequence: missense variant. On other transcripts: non-coding transcript variant (1).
Genome position (GRCh38, 1-based): chr9:100,264,829, C>G. VCF-style: chr9-100264829-C-G. GRCh37 (hg19) VCF-style: chr9-103027111-C-G.
Other names: c.1184C>G, p.Thr395Arg (NM_001318381.2); c.494C>G, p.Thr165Arg (NM_001318382.2); short protein forms T165R, T395R, T491R.
Identifiers: ClinVar variation 4083028 (VCV004083028.1).
Genomic context (GRCh38, chr9:100,264,829, plus strand): 5'-CATATCCAAAAATACTTACTCCAGATGTACTTGATTTTTGTTTATGCTTATAGGGAAGAA[C>G]AGCTTTGCATTGGTCCTGCAACAATGGATACCTTGATGCCATTAAATTACTGCTAGACTT-3'
Protein context (NP_055240.2, residues 481-501): DPNIQDKEGR[Thr491Arg]ALHWSCNNGY

ClinVar aggregate classification (germline): Uncertain significance (1 of 4 stars; one submission).

Submission:

GeneDx
Classification: Uncertain significance. Last evaluated: 2025-03-05. Review status: criteria provided, single submitter. Criteria: GeneDx Variant Classification Process June 2021. Collection method: clinical testing. Allele origin: germline. Affected: yes.
Comment: Not observed at significant frequency in large population cohorts (gnomAD); In silico analysis supports that this missense variant has a deleterious effect on protein structure/function; Has not been previously published as pathogenic or benign to our knowledge